The following is an entry in ClinVar:

ClinVar aggregate classification (germline): Uncertain significance (1 of 4 stars; one submission).

Conditions:
Cardiovascular phenotype. Identifiers: MedGen CN230736.

Submission:

Ambry Genetics
Classification: Uncertain significance for Cardiovascular phenotype. Last evaluated: 2025-03-31. Review status: criteria provided, single submitter. Criteria: Ambry Variant Classification Scheme 2023. Collection method: clinical testing. Allele origin: germline.
Comment: The p.V1180G variant (also known as c.3539T>G), located in coding exon 24 of the ABCA1 gene, results from a T to G substitution at nucleotide position 3539. The valine at codon 1180 is replaced by glycine, an amino acid with dissimilar properties. This amino acid position is conserved. In addition, this alteration is predicted to be deleterious by in silico analysis. Based on the available evidence, the clinical significance of this variant remains unclear.

NM_005502.4(ABCA1):c.3539T>G (p.Val1180Gly)

Gene: ABCA1 (ATP binding cassette subfamily A member 1; minus strand). Cytogenetic location: 9q31.1.
Variant type: single nucleotide variant.
Coding change: c.3539T>G on transcript NM_005502.4 (MANE Select); coding-DNA position 3539, T replaced by G.
Protein change: p.Val1180Gly; replaces valine 1180 with glycine.
Molecular consequence: missense variant.
Genome position (GRCh38, 1-based): chr9:104,816,342, A>C on the plus strand (T>G on the coding strand, the complement: ABCA1 is on the minus strand). VCF-style: chr9-104816342-A-C. GRCh37 (hg19) VCF-style: chr9-107578623-A-C.
Other names: short protein forms V1180G.
Identifiers: ClinVar variation 3934902 (VCV003934902.1).